The following is an entry in ClinVar:

NM_000059.4(BRCA2):c.7980T>G (p.Tyr2660Ter)

Gene: BRCA2 (BRCA2 DNA repair associated; plus strand). Cytogenetic location: 13q13.1.
Variant type: single nucleotide variant.
Coding change: c.7980T>G on transcript NM_000059.4 (MANE Select); coding-DNA position 7980, T replaced by G.
Protein change: p.Tyr2660Ter; replaces tyrosine 2660 with a stop codon.
Molecular consequence: nonsense.
Genome position (GRCh38, 1-based): chr13:32,363,182, T>G. VCF-style: chr13-32363182-T-G. GRCh37 (hg19) VCF-style: chr13-32937319-T-G.
Other names: 8208T>G; short protein forms Y2660*.
Identifiers: ClinVar variation 52459 (VCV000052459.12), dbSNP rs397507949, ClinGen allele CA025381.

ClinVar aggregate classification (germline): Pathogenic. Review status: reviewed by expert panel (3 of 4 stars). 5 submissions from 5 submitters: Pathogenic (1). 4 of the submissions do not count toward it. Last evaluated 2016-04-22.

Conditions:
Hereditary cancer-predisposing syndrome. Also called: Neoplastic Syndromes, Hereditary; Tumor predisposition; Hereditary neoplastic syndrome; Hereditary Cancer Syndrome. Identifiers: Orphanet 140162, MedGen C0027672, MeSH D009386, MONDO:0015356.
Breast-ovarian cancer, familial, susceptibility to, 2 (BROVCA2). Also called: BRCA2 Hereditary Breast and Ovarian Cancer. Identifiers: Orphanet 145, MedGen C2675520, MONDO:0012933, OMIM 612555. Disease mechanism: loss of function.

Submissions (5):

Evidence-based Network for the Interpretation of Germline Mutant Alleles (ENIGMA)
Classification: Pathogenic for Breast-ovarian cancer, familial, susceptibility to, 2. Last evaluated: 2016-04-22. Review status: reviewed by expert panel. Criteria: ENIGMA BRCA1/2 Classification Criteria (2015). Collection method: curation. Allele origin: germline.
Comment: Variant allele predicted to encode a truncated non-functional protein.

Ambry Genetics
Classification: Pathogenic for Hereditary cancer-predisposing syndrome. Last evaluated: 2024-03-28. Review status: criteria provided, single submitter. Criteria: Ambry Variant Classification Scheme 2023. Collection method: clinical testing. Allele origin: germline. Not counted in ClinVar's aggregate classification.
Comment: The p.Y2660* pathogenic mutation (also known as c.7980T>G), located in coding exon 17 of the BRCA2 gene, results from a T to G substitution at nucleotide position 7980. This changes the amino acid from a tyrosine to a stop codon within coding exon 17. This variant has been identified in individuals with a personal and/or family history suggestive of hereditary breast and ovarian cancer syndrome (Pritchard CC et al. N Engl J Med, 2016 Aug;375:443-53; Nielsen HR et al. Fam Cancer, 2016 Oct;15:507-12; Rumford M et al. Sci Rep, 2020 Feb;10:3390; Olafsdottir EJ et al. Br J Cancer, 2020 Nov;123:1608-1615; George SHL et al. JAMA Netw Open, 2021 Mar;4:e210307). This variant is considered to be rare based on population cohorts in the Genome Aggregation Database (gnomAD). In addition to the clinical data presented in the literature, this alteration is expected to result in loss of function by premature protein truncation or nonsense-mediated mRNA decay. As such, this alteration is interpreted as a disease-causing mutation.

Color Diagnostics, LLC DBA Color Health
Classification: Pathogenic for Hereditary cancer-predisposing syndrome. Last evaluated: 2021-09-17. Review status: criteria provided, single submitter. Criteria: ACMG Guidelines, 2015. Collection method: clinical testing. Allele origin: germline. Not counted in ClinVar's aggregate classification.
Comment: This variant changes 1 nucleotide in exon 18 of the BRCA2 gene, creating a premature translation stop signal. This variant is expected to result in an absent or non-functional protein product. To our knowledge, functional studies have not been reported for this variant. This variant has been reported in an individual affected with ovarian cancer and at least one suspected hereditary breast and ovarian cancer family (PMID: 26833046, 32098980). This variant has not been identified in the general population by the Genome Aggregation Database (gnomAD). Loss of BRCA2 function is a known mechanism of disease. Based on the available evidence, this variant is classified as Pathogenic.

Consortium of Investigators of Modifiers of BRCA1/2 (CIMBA), c/o University of Cambridge
Classification: Pathogenic for Breast-ovarian cancer, familial, susceptibility to, 2. Last evaluated: 2015-10-02. Review status: criteria provided, single submitter. Criteria: CIMBA Mutation Classification guidelines May 2016. Collection method: clinical testing. Allele origin: germline. Not counted in ClinVar's aggregate classification.

Department of Pathology and Laboratory Medicine, Sinai Health System
Classification: Pathogenic. Review status: no assertion criteria provided. Collection method: clinical testing. Allele origin: unknown. Affected: yes. Observed: 2 variant alleles. Study: The Canadian Open Genetics Repository (COGR). Not counted in ClinVar's aggregate classification.
Comment: The BRCA2 p.Tyr2660* variant was identified in 1 of 59400 proband chromosomes (frequency: 0.00002) from individuals or families with breast or ovarian cancer (Rebbeck 2018). The variant was also identified in dbSNP (ID: rs397507949) as "With Pathogenic, Uncertain significance alleleâ€šÃ„Ã¹, ClinVar (classified as pathogenic by Color, ENIGMA and CIMBA), LOVD 3.0 (4x as pathogenic), UMD-LSDB (1x as causal variant), and in ARUP Laboratories (definitely pathogenic), databases. The variant was not identified in COGR, Cosmic, BIC Database, or Zhejiang University, databases. The variant was not identified in the following control databases: the Exome Aggregation Consortium (August 8th 2016), or the Genome Aggregation Database (Feb 27, 2017). The p.Tyr2660* variant leads to a premature stop codon at position 2660 which is predicted to lead to a truncated or absent protein and loss of function. Loss of function variants of the BRCA2 gene are an established mechanism of disease in breast or ovarian cancer and is the type of variant expected to cause the disorder. In summary, based on the above information this variant meets our laboratoryâ€šÃ„Ã´s criteria to be classified as pathogenic.

Literature cited by the submitters: PubMed 26833046 (cited by Ambry Genetics and Color Diagnostics, LLC DBA Color Health); PubMed 27433846 (cited by Ambry Genetics); PubMed 32098980 (cited by Ambry Genetics and Color Diagnostics, LLC DBA Color Health); PubMed 32939053 (cited by Ambry Genetics); PubMed 33646313 (cited by Ambry Genetics).